The following is an entry in ClinVar:

ClinVar aggregate classification (germline): Uncertain significance (1 of 4 stars; one submission).

Allele frequency attached by ClinVar (database versions not stated): gnomAD exomes below 0.00001.

Submission:

GeneDx
Classification: Uncertain significance. Last evaluated: 2019-10-22. Review status: criteria provided, single submitter. Criteria: GeneDx Variant Classification Process June 2021. Collection method: clinical testing. Allele origin: germline. Affected: yes.
Comment: Not observed in large population cohorts (Lek et al., 2016); In silico analysis, which includes protein predictors and evolutionary conservation, supports that this variant does not alter protein structure/function; Has not been previously published as pathogenic or benign to our knowledge

NM_016529.6(ATP8A2):c.3104T>C (p.Met1035Thr)

Gene: ATP8A2 (ATPase phospholipid transporting 8A2). Cytogenetic location: 13q12.13.
Variant type: single nucleotide variant.
Coding change: c.3104T>C on transcript NM_016529.6 (MANE Select); coding-DNA position 3104, T replaced by C.
Protein change: p.Met1035Thr; replaces methionine 1035 with threonine.
Molecular consequence: missense variant.
Genome position (GRCh38, 1-based): chr13:25,862,329, T>C. VCF-style: chr13-25862329-T-C. GRCh37 (hg19) VCF-style: chr13-26436467-T-C.
Other names: c.2909T>C, p.Met970Thr (NM_001313741.1); short protein forms M1035T, M970T.
Identifiers: ClinVar variation 423254 (VCV000423254.4), dbSNP rs1064796327, ClinGen allele CA16619627.